The following is an entry in ClinVar:

ClinVar aggregate classification (germline): Uncertain significance. Review status: criteria provided, multiple submitters, no conflicts (2 of 4 stars). 3 submissions from 3 submitters: Uncertain significance (3). Last evaluated 2023-12-17.

Conditions:
Inborn genetic diseases. Identifiers: MedGen C0950123, MeSH D030342.
Amish lethal microcephaly (MCPHA). Also called: THIAMINE METABOLISM DYSFUNCTION SYNDROME 3 (MICROCEPHALY TYPE); MICROCEPHALY, AMISH TYPE. Identifiers: Orphanet 99742, MedGen C1846648, MONDO:0011790, OMIM 607196.

Allele frequency attached by ClinVar (database versions not stated): gnomAD exomes below 0.00001 and 0.00001; TOPMed 0.00001; ExAC 0.00002; gnomAD 0.00002 and 0.00003.
gnomAD v4.1: 5 of 1,614,002 alleles (0.00031%); highest among the groups gnomAD compares: African/African-American, 0.0013%; no homozygotes.

Submissions (3):

Ambry Genetics
Classification: Uncertain significance for Inborn genetic diseases. Last evaluated: 2023-12-17. Review status: criteria provided, single submitter. Criteria: Ambry Variant Classification Scheme 2023. Collection method: clinical testing. Allele origin: germline.

Labcorp Genetics (formerly Invitae), Labcorp
Classification: Uncertain significance. Last evaluated: 2021-08-28. Review status: criteria provided, single submitter. Criteria: Invitae Variant Classification Sherloc (09022015). Collection method: clinical testing. Allele origin: germline.
Comment: This sequence change replaces lysine with arginine at codon 7 of the SLC25A19 protein (p.Lys7Arg). The lysine residue is weakly conserved and there is a small physicochemical difference between lysine and arginine. This variant is present in population databases (rs762770947, ExAC 0.003%). This variant has not been reported in the literature in individuals affected with SLC25A19-related conditions. ClinVar contains an entry for this variant (Variation ID: 325068). Algorithms developed to predict the effect of missense changes on protein structure and function output the following: SIFT: "Tolerated"; PolyPhen-2: "Benign"; Align-GVGD: "Class C0". The arginine amino acid residue is found in multiple mammalian species, which suggests that this missense change does not adversely affect protein function. Algorithms developed to predict the effect of sequence changes on RNA splicing suggest that this variant may create or strengthen a splice site. In summary, the available evidence is currently insufficient to determine the role of this variant in disease. Therefore, it has been classified as a Variant of Uncertain Significance.

Illumina Laboratory Services, Illumina
Classification: Uncertain significance for Amish lethal microcephaly. Last evaluated: 2018-01-13. Review status: criteria provided, single submitter. Criteria: ICSL Variant Classification Criteria 13 December 2019. Collection method: clinical testing. Allele origin: germline.

NM_001126121.2(SLC25A19):c.20A>G (p.Lys7Arg)

Gene: SLC25A19 (solute carrier family 25 member 19; minus strand). Cytogenetic location: 17q25.1.
Variant type: single nucleotide variant.
Coding change: c.20A>G on transcript NM_001126121.2 (MANE Select); coding-DNA position 20, A replaced by G.
Protein change: p.Lys7Arg; replaces lysine 7 with arginine.
Molecular consequence: missense variant.
Genome position (GRCh38, 1-based): chr17:75,286,745, T>C on the plus strand (A>G on the coding strand, the complement: SLC25A19 is on the minus strand). VCF-style: chr17-75286745-T-C. GRCh37 (hg19) VCF-style: chr17-73282826-T-C.
Other names: c.20A>G, p.Lys7Arg (NM_001126122.2, NM_021734.5); short protein forms K7R.
Identifiers: ClinVar variation 325068 (VCV000325068.11), dbSNP rs762770947, ClinGen allele CA8761117.
Genomic context (GRCh38, chr17:75,286,745, plus strand): 5'-AGTCCAGACACAGACCCAGCCACTGCCACCTGGAACTTGGTGTTATTCCTGCCATCTGGT[T>C]TGGGGTCATAGCCAACCATCCCTGCCTCTGGCCCACACAATGTCCATCAGTATCAAGCTA-3'
Protein context (NP_001119593.1, residues 1-17): MVGYDP[Lys7Arg]PDGRNNTKFQ